The following is an entry in ClinVar:

ClinVar aggregate classification (germline): Uncertain significance (1 of 4 stars; one submission).

Conditions:
Hereditary nonpolyposis colorectal neoplasms. Identifiers: MedGen C0009405, MeSH D003123.

Submission:

Labcorp Genetics (formerly Invitae), Labcorp
Classification: Uncertain significance for Hereditary nonpolyposis colorectal neoplasms. Last evaluated: 2025-02-25. Review status: criteria provided, single submitter. Criteria: Invitae Variant Classification Sherloc (09022015). Collection method: clinical testing. Allele origin: germline.
Comment: This sequence change falls in intron 8 of the MSH6 gene. It does not directly change the encoded amino acid sequence of the MSH6 protein. This variant is not present in population databases (gnomAD no frequency). This variant has not been reported in the literature in individuals affected with MSH6-related conditions. Experimental studies and prediction algorithms are not available or were not evaluated, and the effect of this variant on mRNA splicing is currently unknown. In summary, the available evidence is currently insufficient to determine the role of this variant in disease. Therefore, it has been classified as a Variant of Uncertain Significance.

NM_000179.3(MSH6):c.3802-5_3807dup

Gene: MSH6 (mutS homolog 6; plus strand). Cytogenetic location: 2p16.3.
Variant type: Duplication.
Coding change: c.3802-5_3807dup on transcript NM_000179.3 (MANE Select); 5 bases into the intron before coding-DNA position 3802 through coding-DNA position 3807, 11 bases duplicated (TTAAGGCATGC).
Molecular consequence: splice acceptor variant. On other transcripts: intron variant (2).
Genome position (GRCh38, 1-based): chr2:47,806,447-47,806,457, TTAAGGCATGC duplicated; duplicating any 11 consecutive bases within chr2:47,806,446-47,806,457 gives the same sequence; the c. name uses the placement nearest the transcript's 3' end. VCF-style (leftmost placement, unchanged base first): chr2-47806445-T-TCTTAAGGCATG. GRCh37 (hg19) VCF-style: chr2-48033584-T-TCTTAAGGCATG.
Other names: c.3802-5_3807dup (NM_001406809.1, NM_001406796.1, NM_001406808.1); c.2896-5_2901dup (NM_001406811.1, NM_001406814.1, NM_001281493.2 and 6 more transcripts); c.3505-5_3510dup (NM_001406805.1, NM_001406797.1, NM_001406801.1 and 10 more transcripts); c.3898-5_3903dup (NM_001406795.1); c.3897+89_3897+99dup (NM_001406802.1); c.3808-5_3813dup (NM_001406813.1); c.3277-5_3282dup (NM_001406807.1, NM_001406799.1, NM_001406806.1); c.3802-18_3802-8dup (NM_001406800.1); and 9 more.
Identifiers: ClinVar variation 4712716 (VCV004712716.1).